The following is an entry in ClinVar:

ClinVar aggregate classification (germline): Uncertain significance (1 of 4 stars; one submission).

Allele frequency attached by ClinVar (database versions not stated): gnomAD exomes below 0.00001; TOPMed 0.00001.
gnomAD v4.1: 1 of 1,614,150 alleles (0.000062%); highest among the groups gnomAD compares: Non-Finnish European, 0.000085%; no homozygotes.

Submission:

Labcorp Genetics (formerly Invitae), Labcorp
Classification: Uncertain significance. Last evaluated: 2022-02-05. Review status: criteria provided, single submitter. Criteria: Invitae Variant Classification Sherloc (09022015). Collection method: clinical testing. Allele origin: germline.
Comment: Algorithms developed to predict the effect of missense changes on protein structure and function (SIFT, PolyPhen-2, Align-GVGD) all suggest that this variant is likely to be tolerated. This variant has not been reported in the literature in individuals affected with EXOSC2-related conditions. This variant is not present in population databases (gnomAD no frequency). This sequence change replaces lysine, which is basic and polar, with glutamic acid, which is acidic and polar, at codon 212 of the EXOSC2 protein (p.Lys212Glu). In summary, the available evidence is currently insufficient to determine the role of this variant in disease. Therefore, it has been classified as a Variant of Uncertain Significance.

NM_014285.7(EXOSC2):c.634A>G (p.Lys212Glu)

Gene: EXOSC2 (exosome component 2; plus strand). Cytogenetic location: 9q34.12.
Variant type: single nucleotide variant.
Coding change: c.634A>G on transcript NM_014285.7 (MANE Select); coding-DNA position 634, A replaced by G.
Protein change: p.Lys212Glu; replaces lysine 212 with glutamic acid.
Molecular consequence: missense variant. On other transcripts: non-coding transcript variant (1).
Genome position (GRCh38, 1-based): chr9:130,702,272, A>G. VCF-style: chr9-130702272-A-G. GRCh37 (hg19) VCF-style: chr9-133577659-A-G.
Other names: c.556A>G, p.Lys186Glu (NM_001282708.1); c.544A>G, p.Lys182Glu (NM_001282709.1); short protein forms K186E, K182E, K212E.
Identifiers: ClinVar variation 1523019 (VCV001523019.6), dbSNP rs1831233923, ClinGen allele CA375248089.